The following is an entry in ClinVar:

ClinVar aggregate classification (germline): Uncertain significance (1 of 4 stars; one submission).

Conditions:
Malignant hyperthermia, susceptibility to, 1 (MHS1). Also called: Anesthesia related hyperthermia; Malignant hyperpyrexia; Fulminating hyperpyrexia; Pharmacogenic myopathy; RYR1-Related Malignant Hyperthermia Susceptibility; Malignant hyperthermia suceptibility 1. Identifiers: Orphanet 423, MedGen C2930980, MONDO:0007783, OMIM 145600.

Submission:

All of Us Research Program, National Institutes of Health
Classification: Uncertain significance for Malignant hyperthermia, susceptibility to, 1. Last evaluated: 2023-06-26. Review status: criteria provided, single submitter. Criteria: ACMG Guidelines, 2015. Collection method: clinical testing. Allele origin: germline. Inheritance: Autosomal dominant inheritance. Observed: 1 variant allele, 1 heterozygote.
Comment: This missense variant replaces histidine with proline at codon 3699 of the RYR1 protein. Computational prediction suggests that this variant may have deleterious impact on protein structure and function (internally defined REVEL score threshold >= 0.7, PMID: 27666373). To our knowledge, functional studies have not been reported for this variant. This variant has not been reported in individuals affected with RYR1-related disorders in the literature. This variant has not been identified in the general population by the Genome Aggregation Database (gnomAD). The available evidence is insufficient to determine the role of this variant in disease conclusively. Therefore, this variant is classified as a Variant of Uncertain Significance.

This study involves interpretation of variants in research participants for the purpose of population health screening. Participant phenotype was not available at the time of variant classification. Additional details can be found in publication PMID: 35346344, PMCID: PMC8962531

NM_000540.3(RYR1):c.11096A>C (p.His3699Pro)

Gene: RYR1 (ryanodine receptor 1; plus strand). Cytogenetic location: 19q13.2.
Variant type: single nucleotide variant.
Coding change: c.11096A>C on transcript NM_000540.3 (MANE Select); coding-DNA position 11096, A replaced by C.
Protein change: p.His3699Pro; replaces histidine 3699 with proline.
Molecular consequence: missense variant.
Genome position (GRCh38, 1-based): chr19:38,529,012, A>C. VCF-style: chr19-38529012-A-C. GRCh37 (hg19) VCF-style: chr19-39019652-A-C.
Other names: c.11081A>C, p.His3694Pro (NM_001042723.2); short protein forms H3694P, H3699P.
Identifiers: ClinVar variation 3071906 (VCV003071906.1), dbSNP rs2514500269, ClinGen allele CA405650256.